The following is an entry in ClinVar:

ClinVar aggregate classification (germline): Pathogenic/Likely pathogenic. Review status: criteria provided, multiple submitters, no conflicts (2 of 4 stars). 2 submissions from 2 submitters: Pathogenic (1); Likely pathogenic (1). Last evaluated 2025-03-26.

Conditions:
Bloom syndrome (BLM). Also called: Bloom-Torre-Machacek syndrome. Identifiers: Orphanet 125, MedGen C0005859, MONDO:0008876, OMIM 210900.

Submissions (2):

Labcorp Genetics (formerly Invitae), Labcorp
Classification: Pathogenic for Bloom syndrome. Last evaluated: 2025-03-26. Review status: criteria provided, single submitter. Criteria: Invitae Variant Classification Sherloc (09022015). Collection method: clinical testing. Allele origin: germline.
Comment: This sequence change creates a premature translational stop signal (p.Glu216*) in the BLM gene. It is expected to result in an absent or disrupted protein product. Loss-of-function variants in BLM are known to be pathogenic (PMID: 17407155). This variant is not present in population databases (gnomAD no frequency). This variant has not been reported in the literature in individuals affected with BLM-related conditions. ClinVar contains an entry for this variant (Variation ID: 2174647). Algorithms developed to predict the effect of sequence changes on RNA splicing suggest that this variant may create or strengthen a splice site. For these reasons, this variant has been classified as Pathogenic.

Baylor Genetics
Classification: Likely pathogenic for Bloom syndrome. Last evaluated: 2023-06-19. Review status: criteria provided, single submitter. Criteria: ACMG Guidelines, 2015. Collection method: clinical testing. Allele origin: unknown.

Literature cited by the submitters: PubMed 17407155 (cited by Labcorp Genetics (formerly Invitae), Labcorp).

NM_000057.4(BLM):c.646G>T (p.Glu216Ter)

Gene: BLM (BLM RecQ like helicase; plus strand). Cytogenetic location: 15q26.1.
Variant type: single nucleotide variant.
Coding change: c.646G>T on transcript NM_000057.4 (MANE Select); coding-DNA position 646, G replaced by T.
Protein change: p.Glu216Ter; replaces glutamic acid 216 with a stop codon.
Molecular consequence: nonsense. On other transcripts: 5 prime UTR variant (1).
Genome position (GRCh38, 1-based): chr15:90,749,914, G>T. VCF-style: chr15-90749914-G-T. GRCh37 (hg19) VCF-style: chr15-91293144-G-T.
Other names: c.646G>T, p.Glu216Ter (NM_001287246.2, NM_001287247.2); c.-646G>T (NM_001287248.2); short protein forms E216*.
Identifiers: ClinVar variation 2174647 (VCV002174647.5), dbSNP rs779934502, ClinGen allele CA393841241.